The following is an entry in ClinVar:

NM_014956.5(CEP164):c.2946G>A (p.Glu982=)

Gene: CEP164 (centrosomal protein 164; plus strand). Cytogenetic location: 11q23.3.
Variant type: single nucleotide variant.
Coding change: c.2946G>A on transcript NM_014956.5 (MANE Select); coding-DNA position 2946, G replaced by A.
Protein change: p.Glu982=; no amino-acid change (glutamic acid 982 retained).
Molecular consequence: synonymous variant.
Genome position (GRCh38, 1-based): chr11:117,395,579, G>A. VCF-style: chr11-117395579-G-A. GRCh37 (hg19) VCF-style: chr11-117266295-G-A.
Other names: c.2955G>A, p.Glu985= (NM_001271933.2); c.2946G>A (NM_014956.4).
Identifiers: ClinVar variation 2979388 (VCV002979388.4), dbSNP rs2045327607, ClinGen allele CA476897585.

ClinVar aggregate classification (germline): Likely benign. Review status: criteria provided, multiple submitters, no conflicts (2 of 4 stars). 2 submissions from 2 submitters: Likely benign (2). Last evaluated 2025-06-19.

Conditions:
CEP164-related disorder. Also called: CEP164-related condition.
Nephronophthisis 15 (NPHP15). Identifiers: Orphanet 3156, MedGen C3541853, MONDO:0013917, OMIM 614845.

Allele frequency attached by ClinVar (database versions not stated): TOPMed below 0.00001; gnomAD 0.00001.
gnomAD v4.1: 1 of 1,613,334 alleles (0.000062%); highest among the groups gnomAD compares: African/African-American, 0.0013%; no homozygotes.

Submissions (2):

PreventionGenetics, part of Exact Sciences
Classification: Likely benign for CEP164-related condition. Last evaluated: 2025-06-19. Review status: criteria provided, single submitter. Criteria: ACMG Guidelines, 2015. Collection method: clinical testing. Allele origin: germline.
Comment: This variant is classified as likely benign based on ACMG/AMP sequence variant interpretation guidelines (Richards et al. 2015 PMID: 25741868, with internal and published modifications).

Labcorp Genetics (formerly Invitae), Labcorp
Classification: Likely benign for Nephronophthisis 15. Last evaluated: 2022-12-14. Review status: criteria provided, single submitter. Criteria: Invitae Variant Classification Sherloc (09022015). Collection method: clinical testing. Allele origin: germline.